The following is an entry in ClinVar:

NM_001127198.5(TMC6):c.1219C>T (p.Arg407Trp)

Genes: TMC6 (transmembrane channel like 6; minus strand), LOC130061785 (ATAC-STARR-seq lymphoblastoid active region 12857; plus strand). Cytogenetic location: 17q25.3.
Variant type: single nucleotide variant.
Coding change: c.1219C>T on transcript NM_001127198.5 (MANE Select); coding-DNA position 1219, C replaced by T.
Protein change: p.Arg407Trp; replaces arginine 407 with tryptophan.
Molecular consequence: missense variant. On other transcripts: non-coding transcript variant (4).
Genome position (GRCh38, 1-based): chr17:78,122,613, G>A on the plus strand (C>T on the coding strand, the complement: TMC6 is on the minus strand). VCF-style: chr17-78122613-G-A. GRCh37 (hg19) VCF-style: chr17-76118694-G-A.
Other names: c.1219C>T, p.Arg407Trp (NM_001321185.1, NM_001374593.1, NM_001374594.1 and 4 more transcripts); c.1219C>T (NM_007267.6); short protein forms R407W.
Identifiers: ClinVar variation 568657 (VCV000568657.9), dbSNP rs368793235, ClinGen allele CA8795832.

ClinVar aggregate classification (germline): Uncertain significance. Review status: criteria provided, multiple submitters, no conflicts (2 of 4 stars). 2 submissions from 2 submitters: Uncertain significance (2). Last evaluated 2025-12-16.

Conditions:
Epidermodysplasia verruciformis. Identifiers: Orphanet 302, MedGen C0014522, MONDO:0009176.
Inborn genetic diseases. Identifiers: MedGen C0950123, MeSH D030342.

Allele frequency attached by ClinVar (database versions not stated): gnomAD exomes 0.00001 and 0.00002; TOPMed 0.00002; ExAC 0.00003; ESP Exome Variant Server 0.00008; gnomAD 0.00001.

Submissions (2):

Ambry Genetics
Classification: Uncertain significance for Inborn genetic diseases. Last evaluated: 2025-12-16. Review status: criteria provided, single submitter. Criteria: Ambry Variant Classification Scheme 2023. Collection method: clinical testing. Allele origin: germline.

Labcorp Genetics (formerly Invitae), Labcorp
Classification: Uncertain significance for Epidermodysplasia verruciformis. Last evaluated: 2025-01-06. Review status: criteria provided, single submitter. Criteria: Invitae Variant Classification Sherloc (09022015). Collection method: clinical testing. Allele origin: germline.
Comment: This sequence change replaces arginine, which is basic and polar, with tryptophan, which is neutral and slightly polar, at codon 407 of the TMC6 protein (p.Arg407Trp). This variant is present in population databases (rs368793235, gnomAD 0.01%). This variant has not been reported in the literature in individuals affected with TMC6-related conditions. ClinVar contains an entry for this variant (Variation ID: 568657). An algorithm developed to predict the effect of missense changes on protein structure and function (PolyPhen-2) suggests that this variant¬†is likely to be tolerated. In summary, the available evidence is currently insufficient to determine the role of this variant in disease. Therefore, it has been classified as a Variant of Uncertain Significance.